The following is an entry in ClinVar:

NM_000552.5(VWF):c.1562G>C (p.Cys521Ser)

Gene: VWF (von Willebrand factor; minus strand). Cytogenetic location: 12p13.31.
Variant type: single nucleotide variant.
Coding change: c.1562G>C on transcript NM_000552.5 (MANE Select); coding-DNA position 1562, G replaced by C.
Protein change: p.Cys521Ser; replaces cysteine 521 with serine.
Molecular consequence: missense variant.
Genome position (GRCh38, 1-based): chr12:6,058,016, C>G on the plus strand (G>C on the coding strand, the complement: VWF is on the minus strand). VCF-style: chr12-6058016-C-G. GRCh37 (hg19) VCF-style: chr12-6167182-C-G.
Other names: short protein forms C521S.
Identifiers: ClinVar variation 439323 (VCV000439323.5), dbSNP rs148591481, ClinGen allele CA6403339.
Genomic context (GRCh38, chr12:6,058,016, plus strand): 5'-AGCCCAGAGGGGGTAAGGAAGTCGTCGCCCTGGTTGCCATTGTAATTCCCACACAGGCCG[C>G]AGGTCTTCCCGGCATAGACGGGGGACAGCTGCAGGAGAGACCAGGCCACTCTGGAGCCGC-3'
Protein context (NP_000543.3, residues 511-531): KLSPVYAGKT[Cys521Ser]GLCGNYNGNQ

ClinVar aggregate classification (germline): Uncertain significance. Review status: criteria provided, multiple submitters, no conflicts (2 of 4 stars). 3 submissions from 3 submitters: Uncertain significance (3). Last evaluated 2026-01-05.

Conditions:
Inborn genetic diseases. Identifiers: MedGen C0950123, MeSH D030342.

Allele frequency attached by ClinVar (database versions not stated): gnomAD exomes 0.00031 and 0.00011; 1000 Genomes Project 0.00080; TOPMed 0.00119; gnomAD 0.00109 and 0.00114; ExAC 0.00041; 1000 Genomes Project 30x 0.00094.
gnomAD v4.1: 323 of 1,613,320 alleles (0.02%); highest among the groups gnomAD compares: African/African-American, 0.41%; 1 homozygote.

Submissions (3):

Dasa
Classification: Uncertain significance. Last evaluated: 2026-01-05. Review status: criteria provided, single submitter. Criteria: DASA Assertion Criteria. Collection method: clinical testing. Allele origin: germline.
Comment: NM_000552.5(VWF):c.1562G>C (p.Cys521Ser) is a missense variant that results in the substitution of cysteine with serine. This classification is supported by population frequency inconsistent with a disease-causing role. The currently available literature and clinical evidence are not sufficient to establish a definitive association between this variant and the reported condition. Therefore, this variant is classified as a variant of uncertain significance.

Ambry Genetics
Classification: Uncertain significance for Inborn genetic diseases. Last evaluated: 2024-01-08. Review status: criteria provided, single submitter. Criteria: Ambry Variant Classification Scheme 2023. Collection method: clinical testing. Allele origin: germline.

Quest Diagnostics Nichols Institute San Juan Capistrano
Classification: Uncertain significance. Last evaluated: 2017-05-10. Review status: criteria provided, single submitter. Criteria: Quest Diagnostics criteria. Collection method: clinical testing. Allele origin: germline.